The following is an entry in ClinVar:

ClinVar aggregate classification (germline): Likely pathogenic (1 of 4 stars; one submission).

Allele frequency attached by ClinVar (database versions not stated): gnomAD exomes below 0.00001; TOPMed below 0.00001; gnomAD 0.00001.

Submission:

GeneDx
Classification: Likely pathogenic. Last evaluated: 2024-04-18. Review status: criteria provided, single submitter. Criteria: GeneDx Variant Classification Process June 2021. Collection method: clinical testing. Allele origin: germline. Affected: yes.
Comment: Frameshift variant predicted to result in protein truncation or nonsense mediated decay in a gene for which loss of function is a known mechanism of disease; Not observed at significant frequency in large population cohorts (gnomAD); Has not been previously published as pathogenic or benign to our knowledge

NM_007254.4(PNKP):c.1215dup (p.Val406fs)

Gene: PNKP (polynucleotide kinase 3'-phosphatase; minus strand). Cytogenetic location: 19q13.33.
Variant type: Duplication.
Coding change: c.1215dup on transcript NM_007254.4 (MANE Select); coding-DNA position 1215, one base duplicated (T; older notation c.1215dupT).
Protein change: p.Val406fs; shifts the reading frame from valine 406.
Molecular consequence: frameshift variant.
Genome position (GRCh38, 1-based): chr19:49,861,855, A duplicated on the plus strand (T on the coding strand, the reverse complement: PNKP is on the minus strand). VCF-style (leftmost placement, unchanged base first): chr19-49861854-C-CA. GRCh37 (hg19) VCF-style: chr19-50365111-C-CA.
Other names: c.1215dupT (NM_007254.2); c.1215dup (NM_007254.2); short protein forms V406fs.
Identifiers: ClinVar variation 450109 (VCV000450109.3), dbSNP rs1389034284, ClinGen allele CA633894550.